The following is an entry in ClinVar:

NM_000210.4(ITGA6):c.1450C>T (p.Arg484Cys)

Genes: ITGA6 (integrin subunit alpha 6; plus strand), PDK1-AS1 (PDK1 and ITGA6 antisense RNA 1; minus strand). Cytogenetic location: 2q31.1.
Variant type: single nucleotide variant.
Coding change: c.1450C>T on transcript NM_000210.4 (MANE Select); coding-DNA position 1450, C replaced by T.
Protein change: p.Arg484Cys; replaces arginine 484 with cysteine.
Molecular consequence: missense variant.
Genome position (GRCh38, 1-based): chr2:172,479,702, C>T. VCF-style: chr2-172479702-C-T. GRCh37 (hg19) VCF-style: chr2-173344430-C-T.
Other names: c.1450C>T, p.Arg484Cys (NM_001079818.3, NM_001365529.2, NM_001365530.2); c.1093C>T, p.Arg365Cys (NM_001316306.2); c.1567C>T, p.Arg523Cys (NM_001394928.1); short protein forms R484C, R523C, R365C.
Identifiers: ClinVar variation 2063163 (VCV002063163.3), dbSNP rs545486754, ClinGen allele CA1968130.

ClinVar aggregate classification (germline): Uncertain significance. Review status: criteria provided, multiple submitters, no conflicts (2 of 4 stars). 2 submissions from 2 submitters: Uncertain significance (2). Last evaluated 2025-09-30.

Conditions:
Epidermolysis bullosa, junctional 6, with pyloric atresia. Also called: ITGA6-Related Epidermolysis Bullosa with Pyloric Atresia. Identifiers: MedGen C5676957, MONDO:0859233, OMIM 619817.

Allele frequency attached by ClinVar (database versions not stated): gnomAD 0.00004; TOPMed 0.00004; gnomAD exomes 0.00001; 1000 Genomes Project 30x 0.00016; ExAC 0.00003; 1000 Genomes Project 0.00020.
gnomAD v4.1: 28 of 1,613,890 alleles (0.0017%); highest among the groups gnomAD compares: Middle Eastern, 0.033%; no homozygotes.

Submissions (2):

Labcorp Genetics (formerly Invitae), Labcorp
Classification: Uncertain significance. Last evaluated: 2025-09-30. Review status: criteria provided, single submitter. Criteria: Invitae Variant Classification Sherloc (09022015). Collection method: clinical testing. Allele origin: germline.
Comment: This sequence change replaces arginine, which is basic and polar, with cysteine, which is neutral and slightly polar, at codon 484 of the ITGA6 protein (p.Arg484Cys). This variant is present in population databases (rs545486754, gnomAD 0.01%). This variant has not been reported in the literature in individuals affected with ITGA6-related conditions. ClinVar contains an entry for this variant (Variation ID: 2063163). An algorithm developed to predict the effect of missense changes on protein structure and function (PolyPhen-2) suggests that this variant is likely to be disruptive. In summary, the available evidence is currently insufficient to determine the role of this variant in disease. Therefore, it has been classified as a Variant of Uncertain Significance.

Fulgent Genetics
Classification: Uncertain significance for Epidermolysis bullosa, junctional 6, with pyloric atresia. Last evaluated: 2024-02-21. Review status: criteria provided, single submitter. Criteria: ACMG Guidelines, 2015. Collection method: clinical testing. Allele origin: germline.